The following is an entry in ClinVar:

NM_001099287.2(NIPAL4):c.96C>A (p.Asp32Glu)

Gene: NIPAL4 (NIPA like domain containing 4; plus strand). Cytogenetic location: 5q33.3.
Variant type: single nucleotide variant.
Coding change: c.96C>A on transcript NM_001099287.2 (MANE Select); coding-DNA position 96, C replaced by A.
Protein change: p.Asp32Glu; replaces aspartic acid 32 with glutamic acid.
Molecular consequence: missense variant.
Genome position (GRCh38, 1-based): chr5:157,463,152, C>A. VCF-style: chr5-157463152-C-A. GRCh37 (hg19) VCF-style: chr5-156890160-C-A.
Other names: c.96C>A, p.Asp32Glu (NM_001172292.2); short protein forms D32E.
Identifiers: ClinVar variation 2904122 (VCV002904122.3), dbSNP rs190908366, ClinGen allele CA3534524.

ClinVar aggregate classification (germline): Uncertain significance (1 of 4 stars; one submission).

Allele frequency attached by ClinVar (database versions not stated): gnomAD 0.00001; gnomAD exomes 0.00001; TOPMed 0.00001.
gnomAD v4.1: 8 of 1,613,912 alleles (0.0005%); highest among the groups gnomAD compares: Admixed American, 0.0033%; no homozygotes.

Submission:

Labcorp Genetics (formerly Invitae), Labcorp
Classification: Uncertain significance. Last evaluated: 2023-12-11. Review status: criteria provided, single submitter. Criteria: Invitae Variant Classification Sherloc (09022015). Collection method: clinical testing. Allele origin: germline.
Comment: This sequence change replaces aspartic acid, which is acidic and polar, with glutamic acid, which is acidic and polar, at codon 94 of the NIPAL4 protein (p.Asp94Glu). This variant is present in population databases (rs190908366, gnomAD 0.006%). This variant has not been reported in the literature in individuals affected with NIPAL4-related conditions. An algorithm developed to predict the effect of missense changes on protein structure and function (PolyPhen-2) suggests that this variant is likely to be tolerated. In summary, the available evidence is currently insufficient to determine the role of this variant in disease. Therefore, it has been classified as a Variant of Uncertain Significance.